The following is an entry in ClinVar:

NM_000548.5(TSC2):c.4982C>A (p.Thr1661Asn)

Gene: TSC2 (TSC complex subunit 2; plus strand). Cytogenetic location: 16p13.3.
Variant type: single nucleotide variant.
Coding change: c.4982C>A on transcript NM_000548.5 (MANE Select); coding-DNA position 4982, C replaced by A.
Protein change: p.Thr1661Asn; replaces threonine 1661 with asparagine.
Molecular consequence: missense variant.
Genome position (GRCh38, 1-based): chr16:2,086,864, C>A. VCF-style: chr16-2086864-C-A. GRCh37 (hg19) VCF-style: chr16-2136865-C-A.
Other names: c.4781C>A, p.Thr1594Asn (NM_001077183.3); c.4913C>A, p.Thr1638Asn (NM_001114382.3); c.4673C>A, p.Thr1558Asn (NM_001318827.2); c.4637C>A, p.Thr1546Asn (NM_001318829.2); c.4250C>A, p.Thr1417Asn (NM_001318831.2); c.4814C>A, p.Thr1605Asn (NM_001318832.2); c.4784C>A, p.Thr1595Asn (NM_001363528.2); c.4850C>A, p.Thr1617Asn (NM_001370404.1); and 1 more; short protein forms T1661N, T1417N, T1558N, T1605N, T1617N, T1595N, T1618N, T1546N.
Identifiers: ClinVar variation 468126 (VCV000468126.10), dbSNP rs776541842, ClinGen allele CA394309184.

ClinVar aggregate classification (germline): Conflicting classifications of pathogenicity. Review status: criteria provided, conflicting classifications (1 of 4 stars). 2 submissions from 2 submitters: Uncertain significance (1); Likely benign (1). Last evaluated 2023-12-11.

Conditions:
Hereditary cancer-predisposing syndrome. Also called: Hereditary neoplastic syndrome; Neoplastic Syndromes, Hereditary; Tumor predisposition; Hereditary Cancer Syndrome. Identifiers: Orphanet 140162, MedGen C0027672, MeSH D009386, MONDO:0015356.
Tuberous sclerosis 2 (TSC2). Identifiers: Orphanet 805, MedGen C1860707, MONDO:0013199, OMIM 613254.

gnomAD v4.1: 1 of 1,590,642 alleles (0.000063%); no homozygotes.

Submissions (2):

Ambry Genetics
Classification: Uncertain significance for Hereditary cancer-predisposing syndrome. Last evaluated: 2023-12-11. Review status: criteria provided, single submitter. Criteria: Ambry Variant Classification Scheme 2023. Collection method: clinical testing. Allele origin: germline.
Comment: The p.T1661N variant (also known as c.4982C>A), located in coding exon 37 of the TSC2 gene, results from a C to A substitution at nucleotide position 4982. The threonine at codon 1661 is replaced by asparagine, an amino acid with similar properties. This amino acid position is conserved. In addition, the in silico prediction for this alteration is inconclusive. Since supporting evidence is limited at this time, the clinical significance of this alteration remains unclear.

Labcorp Genetics (formerly Invitae), Labcorp
Classification: Likely benign for Tuberous sclerosis 2. Last evaluated: 2022-11-08. Review status: criteria provided, single submitter. Criteria: Invitae Variant Classification Sherloc (09022015). Collection method: clinical testing. Allele origin: germline.